The following is an entry in ClinVar:

ClinVar aggregate classification (germline): Uncertain significance (1 of 4 stars; one submission).

Submission:

Labcorp Genetics (formerly Invitae), Labcorp
Classification: Uncertain significance. Last evaluated: 2020-09-05. Review status: criteria provided, single submitter. Criteria: Invitae Variant Classification Sherloc (09022015). Collection method: clinical testing. Allele origin: germline.
Comment: In summary, the available evidence is currently insufficient to determine the role of this variant in disease. Therefore, it has been classified as a Variant of Uncertain Significance. This sequence change replaces alanine with serine at codon 62 of the KCNJ13 protein (p.Ala62Ser). The alanine residue is moderately conserved and there is a moderate physicochemical difference between alanine and serine. This variant is not present in population databases (ExAC no frequency). This variant has not been reported in the literature in individuals with KCNJ13-related conditions. Algorithms developed to predict the effect of missense changes on protein structure and function (SIFT, PolyPhen-2, Align-GVGD) all suggest that this variant is likely to be tolerated, but these predictions have not been confirmed by published functional studies and their clinical significance is uncertain.

NM_002242.4(KCNJ13):c.184G>T (p.Ala62Ser)

Genes: GIGYF2 (GRB10 interacting GYF protein 2; plus strand), KCNJ13 (potassium inwardly rectifying channel subfamily J member 13; minus strand). Cytogenetic location: 2q37.1.
Variant type: single nucleotide variant.
Coding change: c.184G>T on transcript NM_002242.4 (MANE Select); coding-DNA position 184, G replaced by T.
Protein change: p.Ala62Ser; replaces alanine 62 with serine.
Molecular consequence: missense variant. On other transcripts: intron variant (5).
Genome position (GRCh38, 1-based): chr2:232,771,179, C>A on the plus strand (G>T on the coding strand, the complement: KCNJ13 is on the minus strand). VCF-style: chr2-232771179-C-A. GRCh37 (hg19) VCF-style: chr2-233635889-C-A.
Other names: c.184G>T, p.Ala62Ser (NM_001172416.1); c.532+9743C>A (NM_001103146.3, NM_015575.4, NM_001103148.2); c.533-5233C>A (NM_001103147.2); c.-23-34G>T (NM_001172417.1); short protein forms A62S.
Identifiers: ClinVar variation 1012037 (VCV001012037.8), dbSNP rs1699230142, ClinGen allele CA351013983.